The following is an entry in ClinVar:

NM_006005.3(WFS1):c.*253G>A

Gene: WFS1 (wolframin ER transmembrane glycoprotein; plus strand). Cytogenetic location: 4p16.1.
Variant type: single nucleotide variant.
Coding change: c.*253G>A on transcript NM_006005.3 (MANE Select); 253 bases downstream of the stop codon, G replaced by A.
Molecular consequence: 3 prime UTR variant.
Genome position (GRCh38, 1-based): chr4:6,302,721, G>A. VCF-style: chr4-6302721-G-A. GRCh37 (hg19) VCF-style: chr4-6304448-G-A.
Other names: c.*253G>A (NM_001145853.1).
Identifiers: ClinVar variation 349340 (VCV000349340.9), dbSNP rs1046322, ClinGen allele CA10618115.
Genomic context (GRCh38, chr4:6,302,721, plus strand): 5'-CTGAATACCAAGTGTGTTGGGAATTGCATGCCATCTCCACCCTGAGCCTGACCTTTCTGA[G>A]TGACATGGGTGTGCCAGGCTAGACTAGGAGGTTCCGGTGTCTGGAAAAGCACTTTACAGA-3'

ClinVar aggregate classification (germline): Benign. Review status: criteria provided, multiple submitters, no conflicts (2 of 4 stars). 4 submissions from 3 submitters: Benign (4). Last evaluated 2018-06-14.

Conditions:
Autosomal dominant nonsyndromic hearing loss 6 (LFSNHL). Also called: DEAFNESS, AUTOSOMAL DOMINANT 6; DEAFNESS, AUTOSOMAL DOMINANT 14; DEAFNESS, AUTOSOMAL DOMINANT 38; Autosomal dominant nonsyndromic deafness 6; DIDMOAD (Diabetes Insipidus, Diabetes Mellitus, Optic Atrophy, and Deafness). Identifiers: Orphanet 90635, MedGen C1833021, MONDO:0010963, OMIM 600965.
WFS1-Related Spectrum Disorders.

Allele frequency attached by ClinVar (database versions not stated): 1000 Genomes Project 0.08187; 1000 Genomes Project 30x 0.08229; gnomAD 0.09607 and 0.09652; TOPMed 0.09689; gnomAD exomes 0.10985.
gnomAD v4.1: 63,810 of 597,980 alleles (11%); highest among the groups gnomAD compares: Middle Eastern, 17%; 3,717 homozygotes.

Submissions (4):

GeneDx
Classification: Benign. Last evaluated: 2018-06-14. Review status: criteria provided, single submitter. Criteria: GeneDx Variant Classification Process June 2021. Collection method: clinical testing. Allele origin: germline. Affected: yes.
Comment: This variant is associated with the following publications: (PMID: 23650218)

Illumina Laboratory Services, Illumina
Classification: Benign for WFS1-Related Spectrum Disorders. Last evaluated: 2018-01-13. Review status: criteria provided, single submitter. Criteria: ICSL Variant Classification Criteria 13 December 2019. Collection method: clinical testing. Allele origin: germline.
Comment: This variant was observed in the ICSL laboratory as part of a predisposition screen in an ostensibly healthy population. It had not been previously curated by ICSL or reported in the Human Gene Mutation Database (HGMD: prior to June 1st, 2018), and was therefore a candidate for classification through an automated scoring system. Utilizing variant allele frequency, disease prevalence and penetrance estimates, and inheritance mode, an automated score was calculated to assess if this variant is too frequent to cause the disease. Based on the score and internal cut-off values, a variant classified as benign is not then subjected to further curation. The score for this variant resulted in a classification of benign for this disease.

Illumina Laboratory Services, Illumina
Classification: Benign for Autosomal dominant nonsyndromic hearing loss 6. Last evaluated: 2018-01-13. Review status: criteria provided, single submitter. Criteria: ICSL Variant Classification Criteria 13 December 2019. Collection method: clinical testing. Allele origin: germline.
Comment: the same text as in the submission from Illumina Laboratory Services, Illumina above.

Breakthrough Genomics
Classification: Benign. Review status: criteria provided, single submitter. Criteria: ACMG Guidelines, 2015. Collection method: not provided. Allele origin: germline. Inheritance: Autosomal recessive inheritance. Affected: yes.